The following is an entry in ClinVar:

ClinVar aggregate classification (germline): Uncertain significance (1 of 4 stars; one submission).

Submission:

Ambry Genetics
Classification: Uncertain significance. Last evaluated: 2021-08-05. Review status: criteria provided, single submitter. Criteria: Ambry Variant Classification Scheme 2023. Collection method: clinical testing. Allele origin: germline.
Comment: The p.D647E variant (also known as c.1941T>A), located in coding exon 12 of the POLQ gene, results from a T to A substitution at nucleotide position 1941. The aspartic acid at codon 647 is replaced by glutamic acid, an amino acid with highly similar properties. This amino acid position is conserved. In addition, this alteration is predicted to be tolerated by in silico analysis. Since supporting evidence is limited at this time, the clinical significance of this alteration remains unclear.

NM_199420.4(POLQ):c.1941T>A (p.Asp647Glu)

Gene: POLQ (DNA polymerase theta; minus strand). Cytogenetic location: 3q13.33.
Variant type: single nucleotide variant.
Coding change: c.1941T>A on transcript NM_199420.4 (MANE Select); coding-DNA position 1941, T replaced by A.
Protein change: p.Asp647Glu; replaces aspartic acid 647 with glutamic acid.
Molecular consequence: missense variant.
Genome position (GRCh38, 1-based): chr3:121,509,579, A>T on the plus strand (T>A on the coding strand, the complement: POLQ is on the minus strand). VCF-style: chr3-121509579-A-T. GRCh37 (hg19) VCF-style: chr3-121228426-A-T.
Other names: short protein forms D647E.
Identifiers: ClinVar variation 1783062 (VCV001783062.2), dbSNP rs2546801958, ClinGen allele CA354113102.